The following is an entry in ClinVar:

ClinVar aggregate classification (germline): Uncertain significance (1 of 4 stars; one submission).

Allele frequency attached by ClinVar (database versions not stated): ExAC 0.00001; gnomAD 0.00001; gnomAD exomes 0.00004; TOPMed 0.00005.
gnomAD v4.1: 63 of 1,614,048 alleles (0.0039%); highest among the groups gnomAD compares: Non-Finnish European, 0.0048%; no homozygotes.

Submission:

CeGaT Center for Human Genetics Tuebingen
Classification: Uncertain significance. Last evaluated: 2024-03-01. Review status: criteria provided, single submitter. Criteria: CeGaT Center For Human Genetics Tuebingen Variant Classification Criteria Version 2. Collection method: clinical testing. Allele origin: germline. Affected: yes. Observed: 1 variant allele.
Comment: LRP2: PM2

NM_004525.3(LRP2):c.1310G>T (p.Arg437Ile)

Gene: LRP2 (LDL receptor related protein 2; minus strand). Cytogenetic location: 2q31.1.
Variant type: single nucleotide variant.
Coding change: c.1310G>T on transcript NM_004525.3 (MANE Select); coding-DNA position 1310, G replaced by T.
Protein change: p.Arg437Ile; replaces arginine 437 with isoleucine.
Molecular consequence: missense variant.
Genome position (GRCh38, 1-based): chr2:169,280,381, C>A on the plus strand (G>T on the coding strand, the complement: LRP2 is on the minus strand). VCF-style: chr2-169280381-C-A. GRCh37 (hg19) VCF-style: chr2-170136891-C-A.
Other names: short protein forms R437I.
Identifiers: ClinVar variation 3067512 (VCV003067512.21), dbSNP rs773023200, ClinGen allele CA1955606.